The following is an entry in ClinVar:

ClinVar aggregate classification (germline): Pathogenic. Review status: criteria provided, multiple submitters, no conflicts (2 of 4 stars). 5 submissions from 5 submitters: Pathogenic (5). Last evaluated 2025-05-07.

Conditions:
Chronic granulomatous disease. Identifiers: Orphanet 379, MedGen C0018203, MONDO:0018305.
Granulomatous disease, chronic, X-linked. Also called: CYTOCHROME b-NEGATIVE GRANULOMATOUS DISEASE, CHRONIC, X-LINKED; GRANULOMATOUS DISEASE, CHRONIC, X-LINKED, SOMATIC MOSAIC. Identifiers: Orphanet 379, MedGen C1844376, MONDO:0010600, OMIM 306400.

Submissions (5):

Labcorp Genetics (formerly Invitae), Labcorp
Classification: Pathogenic for Granulomatous disease, chronic, X-linked. Last evaluated: 2025-05-07. Review status: criteria provided, single submitter. Criteria: Invitae Variant Classification Sherloc (09022015). Collection method: clinical testing. Allele origin: germline.
Comment: This sequence change creates a premature translational stop signal (p.Ile248Asnfs*36) in the CYBB gene. It is expected to result in an absent or disrupted protein product. Loss-of-function variants in CYBB are known to be pathogenic (PMID: 9585602, 20729109). This variant is not present in population databases (gnomAD no frequency). This premature translational stop signal has been observed in individual(s) with chronic granulomatous disease (PMID: 8634410, 18546332, 27701760). ClinVar contains an entry for this variant (Variation ID: 279796). For these reasons, this variant has been classified as Pathogenic.

3billion
Classification: Pathogenic for Granulomatous disease, chronic, X-linked. Last evaluated: 2024-10-23. Review status: criteria provided, single submitter. Criteria: ACMG Guidelines, 2015. Collection method: clinical testing. Allele origin: germline. Affected: yes.
Comment: The variant is not observed in the gnomAD v4.1.0 dataset. Predicted Consequence/Location: Frameshift: predicted to result in a loss or disruption of normal protein function through nonsense-mediated decay (NMD) or protein truncation. Multiple pathogenic variants are reported downstream of the variant. The variant has been reported at least twice as pathogenic with clinical assertions and evidence for the classification (ClinVar ID: VCV000279796 /PMID: 8634410). Therefore, this variant is classified as Pathogenic according to the recommendation of ACMG/AMP guideline.

Natera, Inc.
Classification: Pathogenic for Chronic granulomatous disease. Last evaluated: 2024-07-03. Review status: criteria provided, single submitter. Criteria: Natera Variant Classification Schema (03/2026). Collection method: clinical testing. Allele origin: germline.
Comment: The c.742dup variant in CYBB is a frameshift variant predicted to shift the reading frame beginning at codon 248 and leads to a stop codon 36 codons downstream. This variant is expected to result in nonsense mediated decay, truncation, or a dysfunctional protein product. This variant is rare in the general population with a frequency below the threshold expected for the associated phenotype(s). This variant has been observed in affected individual(s) with monoallelic occurrence (heterozygous/hemizygous) (PMID: 35874699, 35140711). Functional studies show that this variant may disrupt protein function (PMID: 28574339). Given the available evidence, this variant is classified as Pathogenic.

Women's Health and Genetics/Laboratory Corporation of America, LabCorp
Classification: Pathogenic for Granulomatous disease, chronic, X-linked. Last evaluated: 2024-05-10. Review status: criteria provided, single submitter. Criteria: LabCorp Variant Classification Summary - May 2015. Collection method: clinical testing. Allele origin: germline.
Comment: Variant summary: CYBB c.742dupA (p.Ile248AsnfsX36) results in a premature termination codon, predicted to cause a truncation of the encoded protein or absence of the protein due to nonsense mediated decay, which are commonly known mechanisms for disease. The variant was absent in 181863 control chromosomes. c.742dupA has been reported in the literature in individuals affected with X-Linked Chronic Granulomatous Disease. To our knowledge, no experimental evidence demonstrating an impact on protein function has been reported. The following publication have been ascertained in the context of this evaluation (PMID: 18546332). ClinVar contains an entry for this variant (Variation ID: 279796). Based on the evidence outlined above, the variant was classified as pathogenic.

GeneDx
Classification: Pathogenic. Last evaluated: 2023-08-18. Review status: criteria provided, single submitter. Criteria: GeneDx Variant Classification Process June 2021. Collection method: clinical testing. Allele origin: germline. Affected: yes.
Comment: Frameshift variant predicted to result in protein truncation or nonsense mediated decay in a gene for which loss-of-function is a known mechanism of disease; Not observed at significant frequency in large population cohorts (gnomAD); This variant is associated with the following publications: (PMID: 32089701, 24999735, 20729109, 8916969, 9585602, 25897114, 35140711, 22929960, 7525551, 9454688, 11162142, 10914676, 24401677, 8634410, 24869932, 23288160, 27701760, 18546332, 29560547, 32040803, 33717137, 35874699)

Literature cited by the submitters: PubMed 9585602 (cited by Labcorp Genetics (formerly Invitae), Labcorp); PubMed 20729109 (cited by Labcorp Genetics (formerly Invitae), Labcorp); PubMed 8634410 (cited by Labcorp Genetics (formerly Invitae), Labcorp and 3billion); PubMed 18546332 (cited by Labcorp Genetics (formerly Invitae), Labcorp and Women's Health and Genetics/Laboratory Corporation of America, LabCorp); PubMed 27701760 (cited by Labcorp Genetics (formerly Invitae), Labcorp); PubMed 35874699 (cited by Natera, Inc.); PubMed 35140711 (cited by Natera, Inc.); PubMed 28574339 (cited by Natera, Inc.).

NM_000397.4(CYBB):c.742dup (p.Ile248fs)

Gene: CYBB (cytochrome b-245 beta chain; plus strand). Cytogenetic location: Xp21.1.
Variant type: Duplication.
Coding change: c.742dup on transcript NM_000397.4 (MANE Select); coding-DNA position 742, one base duplicated (A; older notation c.742dupA).
Protein change: p.Ile248fs; shifts the reading frame from isoleucine 248.
Molecular consequence: frameshift variant.
Genome position (GRCh38, 1-based): chrX:37,799,022, A duplicated; the last of 6 consecutive A bases (chrX:37,799,017-37,799,022); duplicating any one gives the same sequence. VCF-style (leftmost placement, unchanged base first): chrX-37799016-C-CA. GRCh37 (hg19) VCF-style: chrX-37658269-C-CA.
Other names: c.742dupA (NM_000397.3, NM_000397.4); short protein forms I248fs.
Identifiers: ClinVar variation 279796 (VCV000279796.18), dbSNP rs886041194, ClinGen allele CA10603586.
Genomic context (GRCh38, chrX:37,799,016, plus strand): 5'-CGAATTGTACGTGGGCAGACCGCAGAGAGTTTGGCTGTGCATAATATAACAGTTTGTGAA[C>CA]AAAAAATCTCAGAATGGGGAAAAATAAAGGAATGCCCAATCCCTCAGTTTGCTGGAAACC-3'